The following is an entry in ClinVar:

ClinVar aggregate classification (germline): Uncertain significance. Review status: criteria provided, multiple submitters, no conflicts (2 of 4 stars). 2 submissions from 2 submitters: Uncertain significance (2). Last evaluated 2025-10-07.

Conditions:
Cardiomyopathy (CMYO). Also called: Cardiomyopathies. Identifiers: Orphanet 167848, MedGen C0878544, MONDO:0004994, HP:0001638. Inheritance: Various modes of inheritance.
Catecholaminergic polymorphic ventricular tachycardia 1. Also called: VENTRICULAR TACHYCARDIA, CATECHOLAMINERGIC POLYMORPHIC, 1, WITH OR WITHOUT ATRIAL DYSFUNCTION AND/OR DILATED CARDIOMYOPATHY; VENTRICULAR TACHYCARDIA, STRESS-INDUCED POLYMORPHIC 1; RYR2-Related Catecholaminergic Polymorphic Ventricular Tachycardia. Identifiers: Orphanet 3286, MedGen C1631597, MONDO:0011484, OMIM 604772.

gnomAD v4.1: 3 of 1,580,174 alleles (0.00019%); highest among the groups gnomAD compares: South Asian, 0.0011%; no homozygotes.

Submissions (2):

Color Diagnostics, LLC DBA Color Health
Classification: Uncertain significance for Cardiomyopathy. Last evaluated: 2025-10-07. Review status: criteria provided, single submitter. Criteria: ACMG Guidelines, 2015. Collection method: clinical testing. Allele origin: germline.
Comment: This variant causes a T to G nucleotide substitution at the -5 position of intron 97 of the RYR2 gene. To our knowledge, functional studies have not been reported for this variant. This variant has not been reported in individuals affected with RYR2-related disorders in the literature. This variant has been identified in 3/1428042 chromosomes in the general population by the Genome Aggregation Database (gnomAD). The available evidence is insufficient to determine the role of this variant in disease conclusively. Therefore, this variant is classified as a Variant of Uncertain Significance.

Labcorp Genetics (formerly Invitae), Labcorp
Classification: Uncertain significance for Catecholaminergic polymorphic ventricular tachycardia 1. Last evaluated: 2019-07-22. Review status: criteria provided, single submitter. Criteria: Invitae Variant Classification Sherloc (09022015). Collection method: clinical testing. Allele origin: germline.
Comment: This variant is not present in population databases (ExAC no frequency). This variant has not been reported in the literature in individuals with RYR2-related conditions. Algorithms developed to predict the effect of sequence changes on RNA splicing suggest that this variant may disrupt the consensus splice site, but this prediction has not been confirmed by published transcriptional studies. In summary, the available evidence is currently insufficient to determine the role of this variant in disease. Therefore, it has been classified as a Variant of Uncertain Significance. This sequence change falls in intron 97 of the RYR2 gene. It does not directly change the encoded amino acid sequence of the RYR2 protein.

NM_001035.3(RYR2):c.14091-5T>G

Gene: RYR2 (ryanodine receptor 2; plus strand). Cytogenetic location: 1q43.
Variant type: single nucleotide variant.
Coding change: c.14091-5T>G on transcript NM_001035.3 (MANE Select); 5 bases into the intron before coding-DNA position 14091, T replaced by G.
Molecular consequence: intron variant.
Genome position (GRCh38, 1-based): chr1:237,801,851, T>G. VCF-style: chr1-237801851-T-G. GRCh37 (hg19) VCF-style: chr1-237965151-T-G.
Identifiers: ClinVar variation 956439 (VCV000956439.12), dbSNP rs1048452537, ClinGen allele CA1139656712.